The following is an entry in ClinVar:

ClinVar aggregate classification (germline): Pathogenic (1 of 4 stars; one submission).

Conditions:
Hereditary factor IX deficiency disease (HEMB). Also called: F9 DEFICIENCY; FACTOR IX DEFICIENCY; Christmas Disease; PLASMA THROMBOPLASTIN COMPONENT DEFICIENCY; Hemophilia B. Identifiers: Orphanet 98879, MedGen C0008533, MeSH D002836, MONDO:0010604, OMIM 306900.
Thrombophilia, X-linked, due to factor 9 defect. Identifiers: MedGen C2749016, MONDO:0010432, OMIM 300807.

Submission:

Labcorp Genetics (formerly Invitae), Labcorp
Classification: Pathogenic for Thrombophilia, X-linked, due to factor 9 defect; Hereditary factor IX deficiency disease. Last evaluated: 2021-12-31. Review status: criteria provided, single submitter. Criteria: Invitae Variant Classification Sherloc (09022015). Collection method: clinical testing. Allele origin: germline.
Comment: A gross deletion of the genomic region encompassing the full coding sequence of the F9 gene has been identified. Loss-of-function variants in F9 are known to be pathogenic (PMID: 20301668). The boundaries of this event are unknown as they extend beyond the assayed region for this gene and therefore may encompass additional genes. A similar copy number variant has been observed in individuals with Hemophilia B (PMID: 2198809, 3029178, 4045960, 8304338, 24375831). For these reasons, this variant has been classified as Pathogenic.

Literature cited by the submitters: PubMed 20301668; PubMed 2198809; PubMed 3029178; PubMed 4045960; PubMed 8304338; PubMed 24375831.

NC_000023.11:g.(?_139530701)_(139563439_?)del

Gene: F9 (coagulation factor IX; plus strand). Cytogenetic location: Xq27.1.
Variant type: Deletion.
Identifiers: ClinVar variation 658437 (VCV000658437.2).